The following is an entry in ClinVar:

NM_000535.7(PMS2):c.23+25G>T

Gene: PMS2 (PMS1 homolog 2, mismatch repair system component; minus strand). Cytogenetic location: 7p22.1.
Variant type: single nucleotide variant.
Coding change: c.23+25G>T on transcript NM_000535.7 (MANE Select); 25 bases into the intron after coding-DNA position 23, G replaced by T.
Molecular consequence: intron variant. On other transcripts: 5 prime UTR variant (8).
Genome position (GRCh38, 1-based): chr7:6,008,972, C>A on the plus strand (G>T on the coding strand, the complement: PMS2 is on the minus strand). VCF-style: chr7-6008972-C-A. GRCh37 (hg19) VCF-style: chr7-6048603-C-A.
Other names: c.-548G>T (NM_001322005.2); c.-543G>T (NM_001322009.2, NM_001406897.1); c.-627G>T (NM_001406875.1, NM_001406882.1); c.-794G>T (NM_001406877.1); c.-495G>T (NM_001406894.1); c.-530G>T (NM_001406898.1); c.-53+25G>T (NM_001322008.2); c.-219+25G>T (NM_001406881.1); and 19 more.
Identifiers: ClinVar variation 2774157 (VCV002774157.2), dbSNP rs1786240884, ClinGen allele CA2681679595.

ClinVar aggregate classification (germline): Uncertain significance (1 of 4 stars; one submission).

Conditions:
Hereditary cancer-predisposing syndrome. Also called: Hereditary neoplastic syndrome; Hereditary Cancer Syndrome; Neoplastic Syndromes, Hereditary; Tumor predisposition. Identifiers: Orphanet 140162, MedGen C0027672, MeSH D009386, MONDO:0015356.

Allele frequency attached by ClinVar (database versions not stated): gnomAD exomes below 0.00001.
gnomAD v4.1: 1 of 1,612,488 alleles (0.000062%); highest among the groups gnomAD compares: Non-Finnish European, 0.000085%; no homozygotes.

Submission:

Color Diagnostics, LLC DBA Color Health
Classification: Uncertain significance for Hereditary cancer-predisposing syndrome. Last evaluated: 2023-12-05. Review status: criteria provided, single submitter. Criteria: ACMG Guidelines, 2015. Collection method: clinical testing. Allele origin: germline.
Comment: This variant causes a G to T nucleotide substitution at the +25 position of intron 1 of the PMS2 gene. Splice site prediction tools suggest that this variant may not impact RNA splicing. To our knowledge, functional studies have not been reported for this variant. This variant has not been reported in individuals affected with PMS2-related disorders in the literature. This variant has not been identified in the general population by the Genome Aggregation Database (gnomAD). The available evidence is insufficient to determine the role of this variant in disease conclusively. Therefore, this variant is classified as a Variant of Uncertain Significance.